The following is an entry in ClinVar:

ClinVar aggregate classification (germline): Conflicting classifications of pathogenicity. Review status: criteria provided, conflicting classifications (1 of 4 stars). 2 submissions from 2 submitters: Uncertain significance (1); Likely benign (1). Last evaluated 2026-08-06.

Conditions:
Retinoblastoma (RB1). Also called: RETINOBLASTOMA, SOMATIC. Identifiers: Orphanet 790, MedGen C0035335, MeSH D012175, MONDO:0008380, OMIM 180200, HP:0009919. Disease mechanism: loss of function. Inheritance: Both sporadic and heritable forms are tested..
Hereditary cancer-predisposing syndrome. Also called: Neoplastic Syndromes, Hereditary; Hereditary Cancer Syndrome; Hereditary neoplastic syndrome; Tumor predisposition. Identifiers: Orphanet 140162, MedGen C0027672, MeSH D009386, MONDO:0015356.

Submissions (2):

Ambry Genetics
Classification: Likely benign for Hereditary cancer-predisposing syndrome. Last evaluated: 2026-08-06. Review status: criteria provided, single submitter. Criteria: Ambry Variant Classification Scheme 2023. Collection method: clinical testing. Allele origin: germline.

Labcorp Genetics (formerly Invitae), Labcorp
Classification: Uncertain significance for Retinoblastoma. Last evaluated: 2025-05-27. Review status: criteria provided, single submitter. Criteria: Invitae Variant Classification Sherloc (09022015). Collection method: clinical testing. Allele origin: germline.
Comment: This sequence change replaces histidine, which is basic and polar, with glutamine, which is neutral and polar, at codon 129 of the RB1 protein (p.His129Gln). This variant is not present in population databases (gnomAD no frequency). This variant has not been reported in the literature in individuals affected with RB1-related conditions. ClinVar contains an entry for this variant (Variation ID: 658488). Invitae Evidence Modeling of protein sequence and biophysical properties (such as structural, functional, and spatial information, amino acid conservation, physicochemical variation, residue mobility, and thermodynamic stability) indicates that this missense variant is not expected to disrupt RB1 protein function with a negative predictive value of 80%. In summary, the available evidence is currently insufficient to determine the role of this variant in disease. Therefore, it has been classified as a Variant of Uncertain Significance.

NM_000321.3(RB1):c.387T>G (p.His129Gln)

Gene: RB1 (RB transcriptional corepressor 1; plus strand). Cytogenetic location: 13q14.2.
Variant type: single nucleotide variant.
Coding change: c.387T>G on transcript NM_000321.3 (MANE Select); coding-DNA position 387, T replaced by G.
Protein change: p.His129Gln; replaces histidine 129 with glutamine.
Molecular consequence: missense variant.
Genome position (GRCh38, 1-based): chr13:48,345,086, T>G. VCF-style: chr13-48345086-T-G. GRCh37 (hg19) VCF-style: chr13-48919222-T-G.
Other names: short protein forms H129Q.
Identifiers: ClinVar variation 658488 (VCV000658488.13), dbSNP rs1593435676, ClinGen allele CA388252604.